The following is an entry in ClinVar:

NM_015443.4(KANSL1):c.954A>T (p.Gln318His)

Gene: KANSL1 (KAT8 regulatory NSL complex subunit 1). Cytogenetic location: 17q21.31.
Variant type: single nucleotide variant.
Coding change: c.954A>T on transcript NM_015443.4 (MANE Select); coding-DNA position 954, A replaced by T.
Protein change: p.Gln318His; replaces glutamine 318 with histidine.
Molecular consequence: missense variant.
Genome position (GRCh38, 1-based): chr17:46,171,190, T>A on the plus strand (A>T on the coding strand, the complement: KANSL1 is on the minus strand). VCF-style: chr17-46171190-T-A. GRCh37 (hg19) VCF-style: chr17-44248556-T-A.
Other names: c.954A>T, p.Gln318His (NM_001193465.2, NM_001193466.2, NM_001379198.1); short protein forms Q318H.
Identifiers: ClinVar variation 1476587 (VCV001476587.2), dbSNP rs773332161, ClinGen allele CA8618915.

ClinVar aggregate classification (germline): Uncertain significance. Review status: criteria provided, multiple submitters, no conflicts (2 of 4 stars). 2 submissions from 2 submitters: Uncertain significance (2). Last evaluated 2021-10-21.

Conditions:
Koolen-de Vries syndrome (KDVS). Identifiers: Orphanet 96169, MedGen C1864871, MONDO:0012496, OMIM 610443.

Submissions (2):

Fulgent Genetics
Classification: Uncertain significance for Koolen-de Vries syndrome. Last evaluated: 2021-10-21. Review status: criteria provided, single submitter. Criteria: ACMG Guidelines, 2015. Collection method: clinical testing. Allele origin: unknown.

Labcorp Genetics (formerly Invitae), Labcorp
Classification: Uncertain significance for Koolen-de Vries syndrome. Last evaluated: 2021-07-01. Review status: criteria provided, single submitter. Criteria: Invitae Variant Classification Sherloc (09022015). Collection method: clinical testing. Allele origin: germline.
Comment: Due to the possible presence of a polymorphic segmental duplication, the location of the variant could not be unambiguously resolved. Variants with ambiguous mapping are still reported relative to the KANSL1 transcript. This sequence change replaces glutamine with histidine at codon 318 of the KANSL1 protein (p.Gln318His). The glutamine residue is highly conserved and there is a small physicochemical difference between glutamine and histidine. The frequency data for this variant in the population databases (ExAC) is considered unreliable due to the presence of homologous sequence, such as pseudogenes or paralogs, in the genome. This variant has not been reported in the literature in individuals with KANSL1-related conditions. Algorithms developed to predict the effect of missense changes on protein structure and function are either unavailable or do not agree on the potential impact of this missense change (SIFT: "Deleterious"; PolyPhen-2: "Possibly Damaging"; Align-GVGD: "Class C0"). Until the location of this sequence change can be resolved, the clinical significance of this variant remains uncertain. It has been classified as a Variant of Uncertain Significance.